The following is an entry in ClinVar:

ClinVar aggregate classification (germline): Uncertain significance (1 of 4 stars; one submission).

Conditions:
Malignant hyperthermia, susceptibility to, 5 (MHS5). Also called: CACNA1S-Related Malignant Hyperthermia Susceptibility. Identifiers: Orphanet 423, MedGen C1866077, MONDO:0011163, OMIM 601887.
Hypokalemic periodic paralysis, type 1. Also called: Hypokalemic Periodic Paralysis Type 1 (AD); HypoPP. Identifiers: Orphanet 681, MedGen C3714580, MONDO:0042979, OMIM 170400.

Submission:

Labcorp Genetics (formerly Invitae), Labcorp
Classification: Uncertain significance for Hypokalemic periodic paralysis, type 1; Malignant hyperthermia, susceptibility to, 5. Last evaluated: 2024-04-10. Review status: criteria provided, single submitter. Criteria: Invitae Variant Classification Sherloc (09022015). Collection method: clinical testing. Allele origin: germline.
Comment: This sequence change replaces aspartic acid, which is acidic and polar, with glycine, which is neutral and non-polar, at codon 1225 of the CACNA1S protein (p.Asp1225Gly). This variant is not present in population databases (gnomAD no frequency). This variant has not been reported in the literature in individuals affected with CACNA1S-related conditions. ClinVar contains an entry for this variant (Variation ID: 967463). Advanced modeling of protein sequence and biophysical properties (such as structural, functional, and spatial information, amino acid conservation, physicochemical variation, residue mobility, and thermodynamic stability) performed at Invitae indicates that this missense variant is not expected to disrupt CACNA1S protein function with a negative predictive value of 95%. In summary, the available evidence is currently insufficient to determine the role of this variant in disease. Therefore, it has been classified as a Variant of Uncertain Significance.

NM_000069.3(CACNA1S):c.3674A>G (p.Asp1225Gly)

Gene: CACNA1S (calcium voltage-gated channel subunit alpha1 S; minus strand). Cytogenetic location: 1q32.1.
Variant type: single nucleotide variant.
Coding change: c.3674A>G on transcript NM_000069.3 (MANE Select); coding-DNA position 3674, A replaced by G.
Protein change: p.Asp1225Gly; replaces aspartic acid 1225 with glycine.
Molecular consequence: missense variant.
Genome position (GRCh38, 1-based): chr1:201,053,580, T>C on the plus strand (A>G on the coding strand, the complement: CACNA1S is on the minus strand). VCF-style: chr1-201053580-T-C. GRCh37 (hg19) VCF-style: chr1-201022708-T-C.
Other names: short protein forms D1225G.
Identifiers: ClinVar variation 967463 (VCV000967463.10), dbSNP rs1660734688, ClinGen allele CA344155067.